The following is an entry in ClinVar:

ClinVar aggregate classification (germline): Uncertain significance (1 of 4 stars; one submission).

Conditions:
Epileptic encephalopathy. Identifiers: MedGen C0543888, HP:0200134.

gnomAD v4.1: 1 of 1,553,468 alleles (0.000064%); highest among the groups gnomAD compares: Non-Finnish European, 0.000087%; no homozygotes.

Submission:

Labcorp Genetics (formerly Invitae), Labcorp
Classification: Uncertain significance for Epileptic encephalopathy. Last evaluated: 2022-09-02. Review status: criteria provided, single submitter. Criteria: Invitae Variant Classification Sherloc (09022015). Collection method: clinical testing. Allele origin: germline.
Comment: Algorithms developed to predict the effect of sequence changes on RNA splicing suggest that this variant may create or strengthen a splice site. This sequence change replaces arginine, which is basic and polar, with leucine, which is neutral and non-polar, at codon 1255 of the FASN protein (p.Arg1255Leu). The frequency data for this variant in the population databases is considered unreliable, as metrics indicate poor data quality at this position in the gnomAD database. This variant has not been reported in the literature in individuals affected with FASN-related conditions. Algorithms developed to predict the effect of missense changes on protein structure and function (SIFT, PolyPhen-2, Align-GVGD) all suggest that this variant is likely to be tolerated. In summary, the available evidence is currently insufficient to determine the role of this variant in disease. Therefore, it has been classified as a Variant of Uncertain Significance.

NM_004104.5(FASN):c.3764G>T (p.Arg1255Leu)

Gene: FASN (fatty acid synthase; minus strand). Cytogenetic location: 17q25.3.
Variant type: single nucleotide variant.
Coding change: c.3764G>T on transcript NM_004104.5 (MANE Select); coding-DNA position 3764, G replaced by T.
Protein change: p.Arg1255Leu; replaces arginine 1255 with leucine.
Molecular consequence: missense variant.
Genome position (GRCh38, 1-based): chr17:82,085,840, C>A on the plus strand (G>T on the coding strand, the complement: FASN is on the minus strand). VCF-style: chr17-82085840-C-A. GRCh37 (hg19) VCF-style: chr17-80043716-C-A.
Other names: short protein forms R1255L.
Identifiers: ClinVar variation 1971839 (VCV001971839.5), dbSNP rs376976258, ClinGen allele CA8852272.